The following is an entry in ClinVar:

ClinVar aggregate classification (germline): Uncertain significance. Review status: criteria provided, multiple submitters, no conflicts (2 of 4 stars). 2 submissions from 2 submitters: Uncertain significance (2). Last evaluated 2025-09-25.

Conditions:
Inborn genetic diseases. Identifiers: MedGen C0950123, MeSH D030342.

Allele frequency attached by ClinVar (database versions not stated): gnomAD 0.00003; TOPMed 0.00004; ESP Exome Variant Server 0.00015.
gnomAD v4.1: 80 of 1,610,438 alleles (0.005%); highest among the groups gnomAD compares: Non-Finnish European, 0.0059%; no homozygotes.

Submissions (2):

Ambry Genetics
Classification: Uncertain significance for Inborn genetic diseases. Last evaluated: 2025-09-25. Review status: criteria provided, single submitter. Criteria: Ambry Variant Classification Scheme 2023. Collection method: clinical testing. Allele origin: germline.

Labcorp Genetics (formerly Invitae), Labcorp
Classification: Uncertain significance. Last evaluated: 2024-09-30. Review status: criteria provided, single submitter. Criteria: Invitae Variant Classification Sherloc (09022015). Collection method: clinical testing. Allele origin: germline.
Comment: This sequence change replaces arginine, which is basic and polar, with histidine, which is basic and polar, at codon 591 of the OBSL1 protein (p.Arg591His). This variant is present in population databases (rs371604956, gnomAD 0.004%). This variant has not been reported in the literature in individuals affected with OBSL1-related conditions. ClinVar contains an entry for this variant (Variation ID: 1978989). An algorithm developed to predict the effect of missense changes on protein structure and function (PolyPhen-2) suggests that this variant is likely to be disruptive. In summary, the available evidence is currently insufficient to determine the role of this variant in disease. Therefore, it has been classified as a Variant of Uncertain Significance.

NM_015311.3(OBSL1):c.1772G>A (p.Arg591His)

Gene: OBSL1 (obscurin like cytoskeletal adaptor 1; minus strand). Cytogenetic location: 2q35.
Variant type: single nucleotide variant.
Coding change: c.1772G>A on transcript NM_015311.3 (MANE Select); coding-DNA position 1772, G replaced by A.
Protein change: p.Arg591His; replaces arginine 591 with histidine.
Molecular consequence: missense variant.
Genome position (GRCh38, 1-based): chr2:219,567,338, C>T on the plus strand (G>A on the coding strand, the complement: OBSL1 is on the minus strand). VCF-style: chr2-219567338-C-T. GRCh37 (hg19) VCF-style: chr2-220432060-C-T.
Other names: c.1772G>A (NM_015311.2); c.1772G>A, p.Arg591His (NM_001173408.2, NM_001173431.2); short protein forms R591H.
Identifiers: ClinVar variation 1978989 (VCV001978989.5), dbSNP rs371604956, ClinGen allele CA2131432.